The following is an entry in ClinVar:

NM_173849.3(GSC):c.73G>A (p.Val25Met)

Gene: GSC (goosecoid homeobox; minus strand). Cytogenetic location: 14q32.13.
Variant type: single nucleotide variant.
Coding change: c.73G>A on transcript NM_173849.3 (MANE Select); coding-DNA position 73, G replaced by A.
Protein change: p.Val25Met; replaces valine 25 with methionine.
Molecular consequence: missense variant.
Genome position (GRCh38, 1-based): chr14:94,769,943, C>T on the plus strand (G>A on the coding strand, the complement: GSC is on the minus strand). VCF-style: chr14-94769943-C-T. GRCh37 (hg19) VCF-style: chr14-95236280-C-T.
Other names: short protein forms V25M.
Identifiers: ClinVar variation 2186544 (VCV002186544.1), dbSNP rs1468916690, ClinGen allele CA391149246.

ClinVar aggregate classification (germline): Uncertain significance (1 of 4 stars; one submission).

Allele frequency attached by ClinVar (database versions not stated): gnomAD exomes 0.00001; gnomAD 0.00002.
gnomAD v4.1: 18 of 1,547,334 alleles (0.0012%); highest among the groups gnomAD compares: Non-Finnish European, 0.0015%; no homozygotes.

Submission:

Labcorp Genetics (formerly Invitae), Labcorp
Classification: Uncertain significance. Last evaluated: 2022-03-04. Review status: criteria provided, single submitter. Criteria: Invitae Variant Classification Sherloc (09022015). Collection method: clinical testing. Allele origin: germline.
Comment: This sequence change replaces valine, which is neutral and non-polar, with methionine, which is neutral and non-polar, at codon 25 of the GSC protein (p.Val25Met). This variant is present in population databases (no rsID available, gnomAD 0.003%). This variant has not been reported in the literature in individuals affected with GSC-related conditions. Algorithms developed to predict the effect of missense changes on protein structure and function are either unavailable or do not agree on the potential impact of this missense change (SIFT: "Deleterious"; PolyPhen-2: "Benign"; Align-GVGD: "Class C0"). In summary, the available evidence is currently insufficient to determine the role of this variant in disease. Therefore, it has been classified as a Variant of Uncertain Significance.